The following is an entry in ClinVar:

NM_014363.6(SACS):c.3358G>C (p.Asp1120His)

Gene: SACS (sacsin molecular chaperone; minus strand). Cytogenetic location: 13q12.12.
Variant type: single nucleotide variant.
Coding change: c.3358G>C on transcript NM_014363.6 (MANE Select); coding-DNA position 3358, G replaced by C.
Protein change: p.Asp1120His; replaces aspartic acid 1120 with histidine.
Molecular consequence: missense variant.
Genome position (GRCh38, 1-based): chr13:23,340,518, C>G on the plus strand (G>C on the coding strand, the complement: SACS is on the minus strand). VCF-style: chr13-23340518-C-G. GRCh37 (hg19) VCF-style: chr13-23914657-C-G.
Other names: c.2917G>C, p.Asp973His (NM_001278055.2); short protein forms D1120H, D973H.
Identifiers: ClinVar variation 3571762 (VCV003571762.1).
Genomic context (GRCh38, chr13:23,340,518, plus strand): 5'-TGTGATTCTTATTTAAAACCAGTAAGAGGGTTTTGGCTTTCTTCAGAAGAACATCTTGAT[C>G]AGGACAAGCACCGACCTGTAAGGCTTCAATTTTTTTTGCCACTTGCACAACATCCTTTTC-3'
Protein context (NP_055178.3, residues 1110-1130): IEALQVGACP[Asp1120His]QDVLLKKAKT

ClinVar aggregate classification (germline): Uncertain significance (1 of 4 stars; one submission).

gnomAD v4.1: 1 of 1,611,110 alleles (0.000062%); highest among the groups gnomAD compares: Non-Finnish European, 0.000085%; no homozygotes.

Submission:

Athena Diagnostics
Classification: Uncertain significance. Last evaluated: 2023-11-13. Review status: criteria provided, single submitter. Criteria: Athena Diagnostics Criteria. Collection method: clinical testing. Allele origin: unknown.
Comment: Available data are insufficient to determine the clinical significance of the variant at this time. This variant has not been reported in large, multi-ethnic general populations. Computational tools predict that this variant is not damaging.